The following is an entry in ClinVar:

NM_000179.3(MSH6):c.3588A>G (p.Glu1196=)

Gene: MSH6 (mutS homolog 6; plus strand). Cytogenetic location: 2p16.3.
Variant type: single nucleotide variant.
Coding change: c.3588A>G on transcript NM_000179.3 (MANE Select); coding-DNA position 3588, A replaced by G.
Protein change: p.Glu1196=; no amino-acid change (glutamic acid 1196 retained).
Molecular consequence: synonymous variant. On other transcripts: non-coding transcript variant (5).
Genome position (GRCh38, 1-based): chr2:47,805,649, A>G. VCF-style: chr2-47805649-A-G. GRCh37 (hg19) VCF-style: chr2-48032788-A-G.
Other names: c.3198A>G, p.Glu1066= (NM_001281492.2); c.2682A>G, p.Glu894= (NM_001281493.2, NM_001281494.2, NM_001406811.1 and 6 more transcripts); c.3684A>G, p.Glu1228= (NM_001406795.1, NM_001406802.1); c.3588A>G, p.Glu1196= (NM_001406796.1, NM_001406800.1, NM_001406808.1 and 1 more transcripts); c.3291A>G, p.Glu1097= (NM_001406797.1, NM_001406801.1, NM_001406805.1 and 10 more transcripts); c.3414A>G, p.Glu1138= (NM_001406798.1); c.3063A>G, p.Glu1021= (NM_001406799.1, NM_001406806.1, NM_001406807.1); c.2724A>G, p.Glu908= (NM_001406803.1); and 7 more.
Identifiers: ClinVar variation 3903469 (VCV003903469.1).
Genomic context (GRCh38, chr2:47,805,649, plus strand): 5'-TATTCATTTGTGATTTTTTTTTTTTTAAGGTGAAAGTACATTTTTTGTTGAATTAAGTGA[A>G]ACTGCCAGCATACTCATGCATGCAACAGCACATTCTCTGGTGCTTGTGGATGAATTAGGT-3'
Protein context (NP_000170.1, residues 1186-1206): GESTFFVELS[Glu1196=]TASILMHATA

ClinVar aggregate classification (germline): Benign (1 of 4 stars; one submission).

Conditions:
Lynch syndrome 5 (LYNCH5). Also called: Colorectal cancer, hereditary nonpolyposis, type 5; Hereditary non-polyposis colorectal cancer, type 5. Identifiers: Orphanet 144, MedGen C1833477, MONDO:0013710, OMIM 614350. Disease mechanism: loss of function.

Submission:

Myriad Genetics, Inc.
Classification: Benign for Lynch syndrome 5. Last evaluated: 2025-01-07. Review status: criteria provided, single submitter. Criteria: Myriad Autosomal Dominant, Autosomal Recessive and X-Linked Classification Criteria (2023). Collection method: clinical testing. Allele origin: unknown.
Comment: This variant is considered benign. This variant is a silent/synonymous amino acid change and it is not expected to impact splicing.